The following is an entry in ClinVar:

ClinVar aggregate classification (germline): Uncertain significance (1 of 4 stars; one submission).

Submission:

Women's Health and Genetics/Laboratory Corporation of America, LabCorp
Classification: Uncertain significance. Last evaluated: 2023-05-05. Review status: criteria provided, single submitter. Criteria: LabCorp Variant Classification Summary - May 2015. Collection method: clinical testing. Allele origin: germline.
Comment: Variant summary: DLG4 c.848A>G (p.Tyr283Cys) results in a non-conservative amino acid change in the encoded protein sequence. Three of five in-silico tools predict a damaging effect of the variant on protein function. The variant was absent in 249276 control chromosomes (gnomAD). The available data on variant occurrences in the general population are insufficient to allow any conclusion about variant significance. To our knowledge, no occurrence of c.848A>G in individuals affected with Intellectual Developmental Disorder 62 and no experimental evidence demonstrating its impact on protein function have been reported. No clinical diagnostic laboratories have submitted clinical-significance assessments for this variant to ClinVar after 2014. Based on the evidence outlined above, the variant was classified as uncertain significance.

NM_001321075.3(DLG4):c.719A>G (p.Tyr240Cys)

Gene: DLG4 (discs large MAGUK scaffold protein 4; minus strand). Cytogenetic location: 17p13.1.
Variant type: single nucleotide variant.
Coding change: c.719A>G on transcript NM_001321075.3 (MANE Select); coding-DNA position 719, A replaced by G.
Protein change: p.Tyr240Cys; replaces tyrosine 240 with cysteine.
Molecular consequence: missense variant. On other transcripts: non-coding transcript variant (1).
Genome position (GRCh38, 1-based): chr17:7,202,971, T>C on the plus strand (A>G on the coding strand, the complement: DLG4 is on the minus strand). VCF-style: chr17-7202971-T-C. GRCh37 (hg19) VCF-style: chr17-7106290-T-C.
Other names: c.710A>G, p.Tyr237Cys (NM_001128827.4); c.839A>G, p.Tyr280Cys (NM_001321074.1); c.539A>G, p.Tyr180Cys (NM_001321076.3, NM_001321077.3); c.848A>G, p.Tyr283Cys (NM_001365.5); c.638A>G, p.Tyr213Cys (NM_001369566.3); short protein forms Y180C, Y213C, Y237C, Y240C, Y280C, Y283C.
Identifiers: ClinVar variation 2506263 (VCV002506263.1), dbSNP rs2508014442, ClinGen allele CA397718208.
Genomic context (GRCh38, chr17:7,202,971, plus strand): 5'-ATGTCTGGGGGAGCATAGCTGTCACTCAGGTAGGCATTGCTGGGCTTGGCCACCTTTAGG[T>C]AGACAACATCATACGTGTTCTTCAGGGCTGCCACAGCATCTTCATGCATGACGTCCTCTA-3'
Protein context (NP_001308004.1, residues 230-250): AALKNTYDVV[Tyr240Cys]LKVAKPSNAY